The following is an entry in ClinVar:

ClinVar aggregate classification (germline): Uncertain significance. Review status: criteria provided, multiple submitters, no conflicts (2 of 4 stars). 2 submissions from 2 submitters: Uncertain significance (2). Last evaluated 2025-03-26.

Conditions:
Severe early-onset pulmonary alveolar proteinosis due to MARS deficiency. Also called: PULMONARY ALVEOLAR PROTEINOSIS, REUNION ISLAND; Interstitial lung and liver disease. Identifiers: Orphanet 440427, MedGen C4225400, MONDO:0014206, OMIM 615486.
Charcot-Marie-Tooth disease axonal type 2U. Also called: CHARCOT-MARIE-TOOTH NEUROPATHY, TYPE 2U; CHARCOT-MARIE-TOOTH DISEASE, AXONAL, AUTOSOMAL DOMINANT, TYPE 2U. Identifiers: Orphanet 397735, MedGen C4084821, MONDO:0014566, OMIM 616280.

Allele frequency attached by ClinVar (database versions not stated): ExAC 0.00002; gnomAD 0.00003; TOPMed 0.00002; ESP Exome Variant Server 0.00008.
gnomAD v4.1: 54 of 1,613,522 alleles (0.0033%); highest among the groups gnomAD compares: Admixed American, 0.005%; no homozygotes.

Submissions (2):

Labcorp Genetics (formerly Invitae), Labcorp
Classification: Uncertain significance for Charcot-Marie-Tooth disease axonal type 2U; Severe early-onset pulmonary alveolar proteinosis due to MARS deficiency. Last evaluated: 2025-03-26. Review status: criteria provided, single submitter. Criteria: Invitae Variant Classification Sherloc (09022015). Collection method: clinical testing. Allele origin: germline.
Comment: This sequence change replaces arginine, which is basic and polar, with cysteine, which is neutral and slightly polar, at codon 299 of the MARS protein (p.Arg299Cys). This variant is present in population databases (rs373211996, gnomAD 0.009%). This variant has not been reported in the literature in individuals affected with MARS-related conditions. ClinVar contains an entry for this variant (Variation ID: 2926117). An algorithm developed to predict the effect of missense changes on protein structure and function (PolyPhen-2) suggests that this variant is likely to be disruptive. In summary, the available evidence is currently insufficient to determine the role of this variant in disease. Therefore, it has been classified as a Variant of Uncertain Significance.

Ambry Genetics
Classification: Uncertain significance. Last evaluated: 2025-02-14. Review status: criteria provided, single submitter. Criteria: Ambry Variant Classification Scheme 2023. Collection method: clinical testing. Allele origin: germline.

NM_004990.4(MARS1):c.895C>T (p.Arg299Cys)

Gene: MARS1 (methionyl-tRNA synthetase 1; plus strand). Cytogenetic location: 12q13.3.
Variant type: single nucleotide variant.
Coding change: c.895C>T on transcript NM_004990.4 (MANE Select); coding-DNA position 895, C replaced by T.
Protein change: p.Arg299Cys; replaces arginine 299 with cysteine.
Molecular consequence: missense variant.
Genome position (GRCh38, 1-based): chr12:57,498,427, C>T. VCF-style: chr12-57498427-C-T. GRCh37 (hg19) VCF-style: chr12-57892210-C-T.
Other names: c.895C>T (NM_004990.3); short protein forms R299C.
Identifiers: ClinVar variation 2926117 (VCV002926117.4), dbSNP rs373211996, ClinGen allele CA6650362.